The following is an entry in ClinVar:

ClinVar aggregate classification (germline): Uncertain significance. Review status: criteria provided, multiple submitters, no conflicts (2 of 4 stars). 2 submissions from 2 submitters: Uncertain significance (2). Last evaluated 2023-04-18.

Conditions:
Inborn genetic diseases. Identifiers: MedGen C0950123, MeSH D030342.

gnomAD v4.1: 4 of 1,614,238 alleles (0.00025%); highest among the groups gnomAD compares: Non-Finnish European, 0.00034%; no homozygotes.

Submissions (2):

Ambry Genetics
Classification: Uncertain significance for Inborn genetic diseases. Last evaluated: 2023-04-18. Review status: criteria provided, single submitter. Criteria: Ambry Variant Classification Scheme 2023. Collection method: clinical testing. Allele origin: germline.

Labcorp Genetics (formerly Invitae), Labcorp
Classification: Uncertain significance. Last evaluated: 2022-06-10. Review status: criteria provided, single submitter. Criteria: Invitae Variant Classification Sherloc (09022015). Collection method: clinical testing. Allele origin: germline.
Comment: This variant has not been reported in the literature in individuals affected with C1QBP-related conditions. In summary, the available evidence is currently insufficient to determine the role of this variant in disease. Therefore, it has been classified as a Variant of Uncertain Significance. Algorithms developed to predict the effect of missense changes on protein structure and function (SIFT, PolyPhen-2, Align-GVGD) all suggest that this variant is likely to be tolerated. This variant is not present in population databases (gnomAD no frequency). This sequence change replaces lysine, which is basic and polar, with threonine, which is neutral and polar, at codon 179 of the C1QBP protein (p.Lys179Thr).

NM_001212.4(C1QBP):c.536A>C (p.Lys179Thr)

Gene: C1QBP (complement C1q binding protein; minus strand). Cytogenetic location: 17p13.2.
Variant type: single nucleotide variant.
Coding change: c.536A>C on transcript NM_001212.4 (MANE Select); coding-DNA position 536, A replaced by C.
Protein change: p.Lys179Thr; replaces lysine 179 with threonine.
Molecular consequence: missense variant.
Genome position (GRCh38, 1-based): chr17:5,433,709, T>G on the plus strand (A>C on the coding strand, the complement: C1QBP is on the minus strand). VCF-style: chr17-5433709-T-G. GRCh37 (hg19) VCF-style: chr17-5337029-T-G.
Other names: c.536A>C (NM_001212.3); short protein forms K179T.
Identifiers: ClinVar variation 2053899 (VCV002053899.4), dbSNP rs2507763405, ClinGen allele CA397370820.